The following is an entry in ClinVar:

NM_000540.3(RYR1):c.13588C>T (p.Pro4530Ser)

Gene: RYR1 (ryanodine receptor 1; plus strand). Cytogenetic location: 19q13.2.
Variant type: single nucleotide variant.
Coding change: c.13588C>T on transcript NM_000540.3 (MANE Select); coding-DNA position 13588, C replaced by T.
Protein change: p.Pro4530Ser; replaces proline 4530 with serine.
Molecular consequence: missense variant.
Genome position (GRCh38, 1-based): chr19:38,567,846, C>T. VCF-style: chr19-38567846-C-T. GRCh37 (hg19) VCF-style: chr19-39058486-C-T.
Other names: c.13573C>T, p.Pro4525Ser (NM_001042723.2); short protein forms P4525S, P4530S.
Identifiers: ClinVar variation 3069872 (VCV003069872.1), dbSNP rs766906669, ClinGen allele CA060204.

ClinVar aggregate classification (germline): Uncertain significance (1 of 4 stars; one submission).

Conditions:
Malignant hyperthermia, susceptibility to, 1 (MHS1). Also called: RYR1-Related Malignant Hyperthermia Susceptibility; Anesthesia related hyperthermia; Malignant hyperpyrexia; Fulminating hyperpyrexia; Pharmacogenic myopathy; Malignant hyperthermia suceptibility 1. Identifiers: Orphanet 423, MedGen C2930980, MONDO:0007783, OMIM 145600.

Allele frequency attached by ClinVar (database versions not stated): ExAC 0.00001.
gnomAD v4.1: 20 of 1,614,126 alleles (0.0012%); highest among the groups gnomAD compares: East Asian, 0.0045%; no homozygotes.

Submission:

All of Us Research Program, National Institutes of Health
Classification: Uncertain significance for Malignant hyperthermia, susceptibility to, 1. Last evaluated: 2023-03-04. Review status: criteria provided, single submitter. Criteria: ACMG Guidelines, 2015. Collection method: clinical testing. Allele origin: germline. Inheritance: Autosomal dominant inheritance. Observed: 1 variant allele, 1 heterozygote.
Comment: This study involves interpretation of variants in research participants for the purpose of population health screening. Participant phenotype was not available at the time of variant classification. Additional details can be found in publication PMID: 35346344, PMCID: PMC8962531